The following is an entry in ClinVar:

NM_003791.4(MBTPS1):c.2978G>A (p.Arg993His)

Gene: MBTPS1 (membrane bound transcription factor peptidase, site 1; minus strand). Cytogenetic location: 16q23.3.
Variant type: single nucleotide variant.
Coding change: c.2978G>A on transcript NM_003791.4 (MANE Select); coding-DNA position 2978, G replaced by A.
Protein change: p.Arg993His; replaces arginine 993 with histidine.
Molecular consequence: missense variant.
Genome position (GRCh38, 1-based): chr16:84,054,630, C>T on the plus strand (G>A on the coding strand, the complement: MBTPS1 is on the minus strand). VCF-style: chr16-84054630-C-T. GRCh37 (hg19) VCF-style: chr16-84088235-C-T.
Other names: short protein forms R993H.
Identifiers: ClinVar variation 2373642 (VCV002373642.4), dbSNP rs762392866, ClinGen allele CA8200636.

ClinVar aggregate classification (germline): Uncertain significance. Review status: criteria provided, multiple submitters, no conflicts (2 of 4 stars). 2 submissions from 2 submitters: Uncertain significance (2). Last evaluated 2025-07-15.

Conditions:
Inborn genetic diseases. Identifiers: MedGen C0950123, MeSH D030342.

Allele frequency attached by ClinVar (database versions not stated): gnomAD exomes 0.00007; TOPMed 0.00007; ExAC 0.00002; gnomAD 0.00007.
gnomAD v4.1: 115 of 1,606,726 alleles (0.0072%); highest among the groups gnomAD compares: Non-Finnish European, 0.009%; no homozygotes.

Submissions (2):

Ambry Genetics
Classification: Uncertain significance for Inborn genetic diseases. Last evaluated: 2025-07-15. Review status: criteria provided, single submitter. Criteria: Ambry Variant Classification Scheme 2023. Collection method: clinical testing. Allele origin: germline.

Labcorp Genetics (formerly Invitae), Labcorp
Classification: Uncertain significance. Last evaluated: 2023-10-16. Review status: criteria provided, single submitter. Criteria: Invitae Variant Classification Sherloc (09022015). Collection method: clinical testing. Allele origin: germline.
Comment: This sequence change replaces arginine, which is basic and polar, with histidine, which is basic and polar, at codon 993 of the MBTPS1 protein (p.Arg993His). This variant is present in population databases (rs762392866, gnomAD 0.01%). This variant has not been reported in the literature in individuals affected with MBTPS1-related conditions. ClinVar contains an entry for this variant (Variation ID: 2373642). An algorithm developed to predict the effect of missense changes on protein structure and function (PolyPhen-2) suggests that this variant is likely to be disruptive. In summary, the available evidence is currently insufficient to determine the role of this variant in disease. Therefore, it has been classified as a Variant of Uncertain Significance.